The following is an entry in ClinVar:

NM_177438.3(DICER1):c.1870C>G (p.Arg624Gly)

Gene: DICER1 (dicer 1, ribonuclease III; minus strand). Cytogenetic location: 14q32.13.
Variant type: single nucleotide variant.
Coding change: c.1870C>G on transcript NM_177438.3 (MANE Select); coding-DNA position 1870, C replaced by G.
Protein change: p.Arg624Gly; replaces arginine 624 with glycine.
Molecular consequence: missense variant.
Genome position (GRCh38, 1-based): chr14:95,115,704, G>C on the plus strand (C>G on the coding strand, the complement: DICER1 is on the minus strand). VCF-style: chr14-95115704-G-C. GRCh37 (hg19) VCF-style: chr14-95582041-G-C.
Other names: c.1870C>G, p.Arg624Gly (NM_001195573.1, NM_001271282.3, NM_001291628.2 and 1 more transcripts); short protein forms R624G.
Identifiers: ClinVar variation 820198 (VCV000820198.6), dbSNP rs754818927, ClinGen allele CA390883952.

ClinVar aggregate classification (germline): Uncertain significance. Review status: criteria provided, multiple submitters, no conflicts (2 of 4 stars). 2 submissions from 2 submitters: Uncertain significance (2). Last evaluated 2025-07-08.

Conditions:
Hereditary cancer-predisposing syndrome. Also called: Hereditary Cancer Syndrome; Neoplastic Syndromes, Hereditary; Hereditary neoplastic syndrome; Tumor predisposition. Identifiers: Orphanet 140162, MedGen C0027672, MeSH D009386, MONDO:0015356.
DICER1-related tumor predisposition. Also called: DICER1-related pleuropulmonary blastoma cancer predisposition syndrome; DICER1 syndrome. Identifiers: Orphanet 284343, MedGen C3839822, MONDO:0100216.

Allele frequency attached by ClinVar (database versions not stated): gnomAD exomes below 0.00001.
gnomAD v4.1: 3 of 1,614,060 alleles (0.00019%); highest among the groups gnomAD compares: Non-Finnish European, 0.00025%; no homozygotes.

Submissions (2):

Labcorp Genetics (formerly Invitae), Labcorp
Classification: Uncertain significance for DICER1-related tumor predisposition. Last evaluated: 2025-07-08. Review status: criteria provided, single submitter. Criteria: Invitae Variant Classification Sherloc (09022015). Collection method: clinical testing. Allele origin: germline.
Comment: This sequence change replaces arginine, which is basic and polar, with glycine, which is neutral and non-polar, at codon 624 of the DICER1 protein (p.Arg624Gly). This variant is present in population databases (no rsID available, gnomAD 0.0009%). This variant has not been reported in the literature in individuals affected with DICER1-related conditions. ClinVar contains an entry for this variant (Variation ID: 820198). Invitae Evidence Modeling of protein sequence and biophysical properties (such as structural, functional, and spatial information, amino acid conservation, physicochemical variation, residue mobility, and thermodynamic stability) indicates that this missense variant is not expected to disrupt DICER1 protein function with a negative predictive value of 95%. In summary, the available evidence is currently insufficient to determine the role of this variant in disease. Therefore, it has been classified as a Variant of Uncertain Significance.

Ambry Genetics
Classification: Uncertain significance for Hereditary cancer-predisposing syndrome. Last evaluated: 2023-08-25. Review status: criteria provided, single submitter. Criteria: Ambry Variant Classification Scheme 2023. Collection method: clinical testing. Allele origin: germline.
Comment: The p.R624G variant (also known as c.1870C>G), located in coding exon 10 of the DICER1 gene, results from a C to G substitution at nucleotide position 1870. The arginine at codon 624 is replaced by glycine, an amino acid with dissimilar properties. This amino acid position is highly conserved in available vertebrate species. In addition, the in silico prediction for this alteration is inconclusive. Since supporting evidence is limited at this time, the clinical significance of this alteration remains unclear.